The following is an entry in ClinVar:

NM_000441.2(SLC26A4):c.1264-1G>C

Gene: SLC26A4 (solute carrier family 26 member 4; plus strand). Cytogenetic location: 7q22.3.
Variant type: single nucleotide variant.
Coding change: c.1264-1G>C on transcript NM_000441.2 (MANE Select); the canonical splice acceptor site of the intron before coding-DNA position 1264, G replaced by C.
Molecular consequence: splice acceptor variant.
Genome position (GRCh38, 1-based): chr7:107,694,402, G>C. VCF-style: chr7-107694402-G-C. GRCh37 (hg19) VCF-style: chr7-107334847-G-C.
Identifiers: ClinVar variation 43500 (VCV000043500.42), dbSNP rs111033311, ClinGen allele CA261405.

ClinVar aggregate classification (germline): Pathogenic/Likely pathogenic. Review status: criteria provided, multiple submitters, no conflicts (2 of 4 stars). 10 submissions from 10 submitters: Pathogenic (4); Likely pathogenic (4). 2 of the submissions do not count toward it. Last evaluated 2024-12-13.

Conditions:
Rare genetic deafness. Identifiers: Orphanet 96210, MedGen C5680250.
Autosomal recessive nonsyndromic hearing loss 4 (DFNB4). Also called: FOXI1-Related Pendred Syndrome; KCNJ10-Related Pendred Syndrome; DEAFNESS, AUTOSOMAL RECESSIVE 4, WITH ENLARGED VESTIBULAR AQUEDUCT, DIGENIC; Deafness, autosomal recessive 4; Nonsyndromic enlarged vestibular aqueduct (NSEVA); NEUROSENSORY NONSYNDROMIC RECESSIVE DEAFNESS 4. Identifiers: Orphanet 90636, MedGen C3538946, MONDO:0010933, OMIM 600791.
Pendred syndrome (PDS). Also called: Pendred's syndrome; DEAFNESS WITH GOITER; GOITER-DEAFNESS SYNDROME; HYPOTHYROIDISM, CONGENITAL, DUE TO DYSHORMONOGENESIS, 2B; THYROID DYSHORMONOGENESIS 2B; THYROID HORMONOGENESIS, GENETIC DEFECT IN, 2B. Identifiers: Orphanet 705, MedGen C0271829, MONDO:0010134, OMIM 274600.

Allele frequency attached by ClinVar (database versions not stated): gnomAD exomes below 0.00001 and 0.00001.
gnomAD v4.1: 11 of 1,612,812 alleles (0.00068%); highest among the groups gnomAD compares: Non-Finnish European, 0.00085%; no homozygotes.

Submissions (10):

GeneDx
Classification: Likely pathogenic. Last evaluated: 2024-12-13. Review status: criteria provided, single submitter. Criteria: GeneDx Variant Classification Process June 2021. Collection method: clinical testing. Allele origin: germline. Affected: yes.
Comment: Canonical splice site variant predicted to result in an in-frame loss of the adjacent exon in a gene for which loss of function is a known mechanism of disease; Not observed at significant frequency in large population cohorts (gnomAD); This variant is associated with the following publications: (PMID: 25525159, 14679580, 16950989, 19204907, 15689455)

Labcorp Genetics (formerly Invitae), Labcorp
Classification: Likely pathogenic. Last evaluated: 2024-02-12. Review status: criteria provided, single submitter. Criteria: Invitae Variant Classification Sherloc (09022015). Collection method: clinical testing. Allele origin: germline.
Comment: This sequence change affects an acceptor splice site in intron 10 of the SLC26A4 gene. It is expected to disrupt RNA splicing. Variants that disrupt the donor or acceptor splice site typically lead to a loss of protein function (PMID: 16199547), and loss-of-function variants in SLC26A4 are known to be pathogenic (PMID: 16283880, 25394566, 26252218, 26445815). This variant is present in population databases (rs111033311, gnomAD 0.0009%). Disruption of this splice site has been observed in individual(s) with Pendred syndrome (PMID: 14679580, 15689455, 19204907). ClinVar contains an entry for this variant (Variation ID: 43500). Algorithms developed to predict the effect of sequence changes on RNA splicing suggest that this variant may disrupt the consensus splice site. In summary, the currently available evidence indicates that the variant is pathogenic, but additional data are needed to prove that conclusively. Therefore, this variant has been classified as Likely Pathogenic.

CeGaT Center for Human Genetics Tuebingen
Classification: Pathogenic. Last evaluated: 2024-02-01. Review status: criteria provided, single submitter. Criteria: CeGaT Center For Human Genetics Tuebingen Variant Classification Criteria Version 2. Collection method: clinical testing. Allele origin: germline. Affected: yes. Observed: 1 variant allele.
Comment: SLC26A4: PVS1, PM2

Baylor Genetics
Classification: Pathogenic for Autosomal recessive nonsyndromic hearing loss 4. Last evaluated: 2023-07-06. Review status: criteria provided, single submitter. Criteria: ACMG Guidelines, 2015. Collection method: clinical testing. Allele origin: unknown.

Women's Health and Genetics/Laboratory Corporation of America, LabCorp
Classification: Likely pathogenic for Pendred syndrome. Last evaluated: 2023-03-30. Review status: criteria provided, single submitter. Criteria: LabCorp Variant Classification Summary - May 2015. Collection method: clinical testing. Allele origin: germline.
Comment: Variant summary: SLC26A4 c.1264-1G>C is located in a canonical splice-site and is predicted to affect mRNA splicing resulting in a significantly altered protein due to either exon skipping, shortening, or inclusion of intronic material. Several computational tools predict a significant impact on normal splicing: Four predict the variant abolishes the canonical 3' acceptor site. However, these predictions have yet to be confirmed by functional studies. The variant allele was found at a frequency of 4e-06 in 250736 control chromosomes (gnomAD). c.1264-1G>C has been reported in the literature in individuals affected with Pendred Syndrome (example: Pryor_2004, Prasad_2004, and Rodrigues-Paris_2010). These data indicate that the variant may be associated with disease. To our knowledge, no experimental evidence demonstrating an impact on protein function has been reported. Five clinical diagnostic laboratories have submitted clinical-significance assessments for this variant to ClinVar after 2014 and all classified the variant as pathogenic/likely pathogenic. Based on the evidence outlined above, the variant was classified as likely pathogenic.

Fulgent Genetics
Classification: Pathogenic for Pendred syndrome; Autosomal recessive nonsyndromic hearing loss 4. Last evaluated: 2022-01-24. Review status: criteria provided, single submitter. Criteria: ACMG Guidelines, 2015. Collection method: clinical testing. Allele origin: unknown.

Genome-Nilou Lab
Classification: Likely pathogenic for Pendred syndrome. Last evaluated: 2021-09-05. Review status: criteria provided, single submitter. Criteria: ACMG Guidelines, 2015. Collection method: clinical testing. Allele origin: germline. Affected: no.

Laboratory for Molecular Medicine, Mass General Brigham Personalized Medicine
Classification: Pathogenic for Rare genetic deafness. Last evaluated: 2008-08-15. Review status: criteria provided, single submitter. Criteria: LMM Criteria. Collection method: clinical testing. Allele origin: germline. Observed: 1 variant allele.

Natera, Inc.
Classification: Pathogenic for Pendred syndrome. Last evaluated: 2020-09-16. Review status: no assertion criteria provided. Collection method: clinical testing. Allele origin: germline. Not counted in ClinVar's aggregate classification.

Counsyl
Classification: Likely pathogenic for Pendred's syndrome. Last evaluated: 2015-01-08. Review status: no assertion criteria provided. Collection method: literature only. Allele origin: unknown. Inheritance: Autosomal recessive inheritance. Not counted in ClinVar's aggregate classification.

Literature cited by the submitters: PubMed 16199547 (cited by Labcorp Genetics (formerly Invitae), Labcorp); PubMed 16283880 (cited by Labcorp Genetics (formerly Invitae), Labcorp); PubMed 25394566 (cited by Labcorp Genetics (formerly Invitae), Labcorp); PubMed 26252218 (cited by Labcorp Genetics (formerly Invitae), Labcorp); PubMed 26445815 (cited by Labcorp Genetics (formerly Invitae), Labcorp); PubMed 14679580 (cited by 4 submitters); PubMed 15689455 (cited by 4 submitters); PubMed 19204907 (cited by Labcorp Genetics (formerly Invitae), Labcorp and Women's Health and Genetics/Laboratory Corporation of America, LabCorp); PubMed 20668687 (cited by Women's Health and Genetics/Laboratory Corporation of America, LabCorp and Counsyl); PubMed 16950989 (cited by Women's Health and Genetics/Laboratory Corporation of America, LabCorp and Counsyl).